The following is an entry in ClinVar:

NM_002591.4(PCK1):c.1148T>A (p.Ile383Asn)

Gene: PCK1 (phosphoenolpyruvate carboxykinase 1; plus strand). Cytogenetic location: 20q13.31.
Variant type: single nucleotide variant.
Coding change: c.1148T>A on transcript NM_002591.4 (MANE Select); coding-DNA position 1148, T replaced by A.
Protein change: p.Ile383Asn; replaces isoleucine 383 with asparagine.
Molecular consequence: missense variant.
Genome position (GRCh38, 1-based): chr20:57,564,355, T>A. VCF-style: chr20-57564355-T-A. GRCh37 (hg19) VCF-style: chr20-56139411-T-A.
Other names: short protein forms I383N.
Identifiers: ClinVar variation 2723912 (VCV002723912.3), dbSNP rs745989703, ClinGen allele CA316280789.

ClinVar aggregate classification (germline): Uncertain significance (1 of 4 stars; one submission).

Allele frequency attached by ClinVar (database versions not stated): gnomAD 0.00001; TOPMed 0.00002.
gnomAD v4.1: 51 of 1,613,934 alleles (0.0032%); highest among the groups gnomAD compares: Non-Finnish European, 0.0042%; no homozygotes.

Submission:

Labcorp Genetics (formerly Invitae), Labcorp
Classification: Uncertain significance. Last evaluated: 2022-11-24. Review status: criteria provided, single submitter. Criteria: Invitae Variant Classification Sherloc (09022015). Collection method: clinical testing. Allele origin: germline.
Comment: This variant has not been reported in the literature in individuals affected with PCK1-related conditions. In summary, the available evidence is currently insufficient to determine the role of this variant in disease. Therefore, it has been classified as a Variant of Uncertain Significance. Advanced modeling of protein sequence and biophysical properties (such as structural, functional, and spatial information, amino acid conservation, physicochemical variation, residue mobility, and thermodynamic stability) performed at Invitae indicates that this missense variant is expected to disrupt PCK1 protein function. This variant is present in population databases (rs745989703, gnomAD 0.002%). This sequence change replaces isoleucine, which is neutral and non-polar, with asparagine, which is neutral and polar, at codon 383 of the PCK1 protein (p.Ile383Asn).